The following is an entry in ClinVar:

NM_006939.4(SOS2):c.1316G>A (p.Cys439Tyr)

Gene: SOS2 (SOS Ras/Rho guanine nucleotide exchange factor 2; minus strand). Cytogenetic location: 14q21.3.
Variant type: single nucleotide variant.
Coding change: c.1316G>A on transcript NM_006939.4 (MANE Select); coding-DNA position 1316, G replaced by A.
Protein change: p.Cys439Tyr; replaces cysteine 439 with tyrosine.
Molecular consequence: missense variant.
Genome position (GRCh38, 1-based): chr14:50,159,967, C>T on the plus strand (G>A on the coding strand, the complement: SOS2 is on the minus strand). VCF-style: chr14-50159967-C-T. GRCh37 (hg19) VCF-style: chr14-50626685-C-T.
Other names: c.1217G>A, p.Cys406Tyr (NM_001411020.1); short protein forms C439Y, C406Y.
Identifiers: ClinVar variation 5005323 (VCV005005323.2).

ClinVar aggregate classification (germline): Uncertain significance (1 of 4 stars; one submission).

Conditions:
Noonan syndrome 9 (NS9). Identifiers: Orphanet 648, MedGen C4225282, MONDO:0014691, OMIM 616559.

gnomAD v4.1: 2 of 1,614,104 alleles (0.00012%); highest among the groups gnomAD compares: Admixed American, 0.0017%; no homozygotes.

Submission:

Juno Genomics, Hangzhou Juno Genomics, Inc
Classification: Uncertain significance for Noonan syndrome 9. Review status: criteria provided, single submitter. Criteria: ACMG Guidelines, 2015. Collection method: clinical testing. Allele origin: germline.
Comment: Multiple lines of computational evidence support a deleterious effect on the gene or gene product.;Located in a mutational hot spot and/or critical and well-established functional domain without benign variation.